The following is an entry in ClinVar:

NM_001244008.2(KIF1A):c.3053A>G (p.His1018Arg)

Gene: KIF1A (kinesin family member 1A; minus strand). Cytogenetic location: 2q37.3.
Variant type: single nucleotide variant.
Coding change: c.3053A>G on transcript NM_001244008.2 (MANE Select); coding-DNA position 3053, A replaced by G.
Protein change: p.His1018Arg; replaces histidine 1018 with arginine.
Molecular consequence: missense variant.
Genome position (GRCh38, 1-based): chr2:240,747,246, T>C on the plus strand (A>G on the coding strand, the complement: KIF1A is on the minus strand). VCF-style: chr2-240747246-T-C. GRCh37 (hg19) VCF-style: chr2-241686663-T-C.
Other names: c.2777A>G, p.His926Arg (NM_001320705.2, NM_001330289.2, NM_001379638.1); c.2852A>G, p.His951Arg (NM_001330290.2, NM_001379634.1, NM_001379635.1 and 1 more transcripts); c.3128A>G, p.His1043Arg (NM_001379631.1); c.3002A>G, p.His1001Arg (NM_001379632.1); c.3026A>G, p.His1009Arg (NM_001379633.1, NM_001379642.1, NM_001379645.1); c.2750A>G, p.His917Arg (NM_001379636.1, NM_001379639.1, NM_001379640.1 and 6 more transcripts); c.2825A>G, p.His942Arg (NM_001379637.1, NM_001379648.1); short protein forms H1018R, H917R, H926R, H951R, H1001R, H1009R, H1043R, H942R.
Identifiers: ClinVar variation 497399 (VCV000497399.6), dbSNP rs201846946, ClinGen allele CA351319169.

ClinVar aggregate classification (germline): Uncertain significance. Review status: criteria provided, multiple submitters, no conflicts (2 of 4 stars). 2 submissions from 2 submitters: Uncertain significance (2). Last evaluated 2025-03-23.

Conditions:
Neuropathy, hereditary sensory, type 2C. Also called: Hereditary sensory and autonomic neuropathy type IIC; KIF1A-Related HSAN2 (HSAN2C). Identifiers: Orphanet 970, MedGen C3280168, MONDO:0013634, OMIM 614213.
Intellectual disability, autosomal dominant 9 (NESCAVS). Also called: NESCAV SYNDROME; KIF1A-Related Neurodevelopmental Disorder. Identifiers: Orphanet 662367, MedGen C5393830, MONDO:0013656, OMIM 614255.
Hereditary spastic paraplegia 30. Identifiers: Orphanet 101010, MedGen C5235139, MONDO:0012476.

Allele frequency attached by ClinVar (database versions not stated): TOPMed 0.00002.
gnomAD v4.1: 2 of 1,613,180 alleles (0.00012%); highest among the groups gnomAD compares: African/African-American, 0.0013%; no homozygotes.

Submissions (2):

Labcorp Genetics (formerly Invitae), Labcorp
Classification: Uncertain significance for Hereditary spastic paraplegia 30; Neuropathy, hereditary sensory, type 2C; Intellectual disability, autosomal dominant 9. Last evaluated: 2025-03-23. Review status: criteria provided, single submitter. Criteria: Invitae Variant Classification Sherloc (09022015). Collection method: clinical testing. Allele origin: germline.
Comment: This sequence change replaces histidine, which is basic and polar, with arginine, which is basic and polar, at codon 917 of the KIF1A protein (p.His917Arg). This variant is present in population databases (no rsID available, gnomAD 0.007%). This variant has not been reported in the literature in individuals affected with KIF1A-related conditions. ClinVar contains an entry for this variant (Variation ID: 497399). Invitae Evidence Modeling of protein sequence and biophysical properties (such as structural, functional, and spatial information, amino acid conservation, physicochemical variation, residue mobility, and thermodynamic stability) has been performed for this missense variant. However, the output from this modeling did not meet the statistical confidence thresholds required to predict the impact of this variant on KIF1A protein function. In summary, the available evidence is currently insufficient to determine the role of this variant in disease. Therefore, it has been classified as a Variant of Uncertain Significance.

Eurofins Ntd Llc (ga)
Classification: Uncertain significance. Last evaluated: 2016-10-04. Review status: criteria provided, single submitter. Criteria: EGL Classification Definitions 2015. Collection method: clinical testing. Allele origin: germline. Observed: 1 variant allele, 1 heterozygote.